The following is an entry in ClinVar:

ClinVar aggregate classification (germline): Conflicting classifications of pathogenicity. Review status: criteria provided, conflicting classifications (1 of 4 stars). 4 submissions from 4 submitters: Uncertain significance (2); Likely benign (2). Last evaluated 2026-02-01.

Conditions:
GLUT1 deficiency syndrome 1, autosomal recessive. Identifiers: MedGen C3149117.

Allele frequency attached by ClinVar (database versions not stated): TOPMed 0.00010; 1000 Genomes Project 30x 0.00047; 1000 Genomes Project 0.00060.
gnomAD v4.1: 112 of 1,614,178 alleles (0.0069%); highest among the groups gnomAD compares: Admixed American, 0.02%; no homozygotes.

Submissions (4):

CeGaT Center for Human Genetics Tuebingen
Classification: Uncertain significance. Last evaluated: 2026-02-01. Review status: criteria provided, single submitter. Criteria: CeGaT Center For Human Genetics Tuebingen Variant Classification Criteria Version 2. Collection method: clinical testing. Allele origin: germline. Affected: yes. Observed: 2 variant alleles.
Comment: SLC2A1: PM2

Labcorp Genetics (formerly Invitae), Labcorp
Classification: Uncertain significance for GLUT1 deficiency syndrome 1, autosomal recessive. Last evaluated: 2025-12-24. Review status: criteria provided, single submitter. Criteria: Invitae Variant Classification Sherloc (09022015). Collection method: clinical testing. Allele origin: germline.
Comment: This sequence change replaces glycine, which is neutral and non-polar, with arginine, which is basic and polar, at codon 470 of the SLC2A1 protein (p.Gly470Arg). This variant is present in population databases (rs572648977, gnomAD 0.03%). This missense change has been observed in individual(s) with epilepsy and a suspected mitochondrial disorder (PMID: 24215330, 25914049). ClinVar contains an entry for this variant (Variation ID: 207216). Invitae Evidence Modeling of protein sequence and biophysical properties (such as structural, functional, and spatial information, amino acid conservation, physicochemical variation, residue mobility, and thermodynamic stability) indicates that this missense variant is not expected to disrupt SLC2A1 protein function with a negative predictive value of 95%. In summary, the available evidence is currently insufficient to determine the role of this variant in disease. Therefore, it has been classified as a Variant of Uncertain Significance.

GeneDx
Classification: Likely benign. Last evaluated: 2021-01-07. Review status: criteria provided, single submitter. Criteria: GeneDx Variant Classification Process June 2021. Collection method: clinical testing. Allele origin: germline. Affected: yes.
Comment: Reported in an individual with epilepsy (Schoeler et al., 2015); This variant is associated with the following publications: (PMID: 25914049, 30009487, 24215330)

Athena Diagnostics
Classification: Likely benign. Last evaluated: 2017-03-20. Review status: criteria provided, single submitter. Criteria: Athena Diagnostics Criteria. Collection method: clinical testing. Allele origin: germline.

Literature cited by the submitters: PubMed 24215330 (cited by Labcorp Genetics (formerly Invitae), Labcorp and Athena Diagnostics); PubMed 25914049 (cited by Labcorp Genetics (formerly Invitae), Labcorp and Athena Diagnostics).

NM_006516.4(SLC2A1):c.1408G>C (p.Gly470Arg)

Gene: SLC2A1 (solute carrier family 2 member 1; minus strand). Cytogenetic location: 1p34.2.
Variant type: single nucleotide variant.
Coding change: c.1408G>C on transcript NM_006516.4 (MANE Select); coding-DNA position 1408, G replaced by C.
Protein change: p.Gly470Arg; replaces glycine 470 with arginine.
Molecular consequence: missense variant.
Genome position (GRCh38, 1-based): chr1:42,927,112, C>G on the plus strand (G>C on the coding strand, the complement: SLC2A1 is on the minus strand). VCF-style: chr1-42927112-C-G. GRCh37 (hg19) VCF-style: chr1-43392783-C-G.
Other names: p.G470R:GGG>CGG; short protein forms G470R.
Identifiers: ClinVar variation 207216 (VCV000207216.34), dbSNP rs572648977, ClinGen allele CA318477.
Genomic context (GRCh38, chr1:42,927,112, plus strand): 5'-AATCAGCCCCCAGGGGATGGAACAGCTCCTCGGGTGTCTTGTCACTTTGGCTGGCTCCCC[C>G]CTGCCGGAAGCCGGAAGCGATCTCATCGAAGGTCCGGCCTTTAGTCTCAGGAACTTTGAA-3'
Protein context (NP_006507.2, residues 460-480): FDEIASGFRQ[Gly470Arg]GASQSDKTPE